The following is an entry in ClinVar:

ClinVar aggregate classification (germline): Uncertain significance. Review status: criteria provided, multiple submitters, no conflicts (2 of 4 stars). 2 submissions from 2 submitters: Uncertain significance (2). Last evaluated 2022-11-10.

Conditions:
Primary ciliary dyskinesia. Also called: Ciliary dyskinesia. Identifiers: Orphanet 244, MedGen C0008780, MONDO:0016575, HP:0012265.

Allele frequency attached by ClinVar (database versions not stated): TOPMed 0.00001; ExAC 0.00002; gnomAD 0.00002; gnomAD exomes 0.00002.
gnomAD v4.1: 30 of 1,609,340 alleles (0.0019%); highest among the groups gnomAD compares: Non-Finnish European, 0.0023%; no homozygotes.

Submissions (2):

Ambry Genetics
Classification: Uncertain significance for Primary ciliary dyskinesia. Last evaluated: 2022-11-10. Review status: criteria provided, single submitter. Criteria: Ambry Variant Classification Scheme 2023. Collection method: clinical testing. Allele origin: germline.

Labcorp Genetics (formerly Invitae), Labcorp
Classification: Uncertain significance for Primary ciliary dyskinesia. Last evaluated: 2022-06-15. Review status: criteria provided, single submitter. Criteria: Invitae Variant Classification Sherloc (09022015). Collection method: clinical testing. Allele origin: germline.
Comment: This sequence change replaces serine, which is neutral and polar, with threonine, which is neutral and polar, at codon 496 of the CCDC39 protein (p.Ser496Thr). This variant is present in population databases (no rsID available, gnomAD 0.009%). This variant has not been reported in the literature in individuals affected with CCDC39-related conditions. Algorithms developed to predict the effect of missense changes on protein structure and function (SIFT, PolyPhen-2, Align-GVGD) all suggest that this variant is likely to be tolerated. In summary, the available evidence is currently insufficient to determine the role of this variant in disease. Therefore, it has been classified as a Variant of Uncertain Significance.

NM_181426.2(CCDC39):c.1486T>A (p.Ser496Thr)

Gene: CCDC39 (coiled-coil domain 39 molecular ruler complex subunit; minus strand). Cytogenetic location: 3q26.33.
Variant type: single nucleotide variant.
Coding change: c.1486T>A on transcript NM_181426.2 (MANE Select); coding-DNA position 1486, T replaced by A.
Protein change: p.Ser496Thr; replaces serine 496 with threonine.
Molecular consequence: missense variant.
Genome position (GRCh38, 1-based): chr3:180,647,120, A>T on the plus strand (T>A on the coding strand, the complement: CCDC39 is on the minus strand). VCF-style: chr3-180647120-A-T. GRCh37 (hg19) VCF-style: chr3-180364908-A-T.
Other names: c.1486T>A (NM_181426.1); short protein forms S496T.
Identifiers: ClinVar variation 2181785 (VCV002181785.2), dbSNP rs951458613, ClinGen allele CA2715933.
Genomic context (GRCh38, chr3:180,647,120, plus strand): 5'-TGTATTTTGGCTAAGTTACATGAAGCTTCTTGATCTGTGTTTCCAAAAGGCCACATGTAG[A>T]TTTTTTCTCTTCCAAAGACTTCCTAAGTTCAACAATTTTTGCTTCAAGCGCTTGTTTTTC-3'
Protein context (NP_852091.1, residues 486-506): ELRKSLEEKK[Ser496Thr]TCGLLETQIK